The following is an entry in ClinVar:

NM_000435.3(NOTCH3):c.*338A>C

Gene: NOTCH3 (notch receptor 3; minus strand). Cytogenetic location: 19p13.12.
Variant type: single nucleotide variant.
Coding change: c.*338A>C on transcript NM_000435.3 (MANE Select); 338 bases downstream of the stop codon, A replaced by C.
Molecular consequence: 3 prime UTR variant.
Genome position (GRCh38, 1-based): chr19:15,160,324, T>G on the plus strand (A>C on the coding strand, the complement: NOTCH3 is on the minus strand). VCF-style: chr19-15160324-T-G. GRCh37 (hg19) VCF-style: chr19-15271135-T-G.
Identifiers: ClinVar variation 328368 (VCV000328368.6), dbSNP rs7247906, ClinGen allele CA10651568.

ClinVar aggregate classification (germline): Benign. Review status: criteria provided, multiple submitters, no conflicts (2 of 4 stars). 2 submissions from 2 submitters: Benign (2). Last evaluated 2017-04-27.

Conditions:
Cerebral arteriopathy, autosomal dominant, with subcortical infarcts and leukoencephalopathy, type 1 (CADASIL1). Also called: CADASIL 1; Cerebral arteriopathy with subcortical infarcts and leukoencephalopathy 1; CASIL; DEMENTIA, HEREDITARY MULTIINFARCT TYPE. Identifiers: Orphanet 136, MedGen C4551768, MONDO:0000914, OMIM 125310.

Allele frequency attached by ClinVar (database versions not stated): 1000 Genomes Project 30x 0.87664; 1000 Genomes Project 0.87081; TOPMed 0.89631; gnomAD 0.90792 and 0.90318; gnomAD exomes 0.89101.
gnomAD v4.1: 224,978 of 250,584 alleles (90%); highest among the groups gnomAD compares: African/African-American, 98%; 101,400 homozygotes.

Submissions (2):

Illumina Laboratory Services, Illumina
Classification: Benign for Cerebral arteriopathy, autosomal dominant, with subcortical infarcts and leukoencephalopathy, type 1. Last evaluated: 2017-04-27. Review status: criteria provided, single submitter. Criteria: ICSL Variant Classification Criteria 13 December 2019. Collection method: clinical testing. Allele origin: germline.
Comment: This variant was observed as part of a predisposition screen in an ostensibly healthy population. A literature search was performed for the gene, cDNA change, and amino acid change (where applicable). No publications were found based on this search. Allele frequency data from public databases was too high to be consistent with this variant causing disease. Therefore, this variant is classified as benign.

Breakthrough Genomics
Classification: Benign. Review status: criteria provided, single submitter. Criteria: ACMG Guidelines, 2015. Collection method: not provided. Allele origin: germline. Inheritance: Autosomal dominant inheritance. Affected: yes.